The following is an entry in ClinVar:

NM_004415.4(DSP):c.307C>T (p.Arg103Trp)

Gene: DSP (desmoplakin; plus strand). Cytogenetic location: 6p24.3.
Variant type: single nucleotide variant.
Coding change: c.307C>T on transcript NM_004415.4 (MANE Select); coding-DNA position 307, C replaced by T.
Protein change: p.Arg103Trp; replaces arginine 103 with tryptophan.
Molecular consequence: missense variant.
Genome position (GRCh38, 1-based): chr6:7,558,149, C>T. VCF-style: chr6-7558149-C-T. GRCh37 (hg19) VCF-style: chr6-7558382-C-T.
Other names: c.307C>T (LRG_423t1); c.307C>T, p.Arg103Trp (NM_001008844.3, NM_001319034.2); short protein forms R103W.
Identifiers: ClinVar variation 574676 (VCV000574676.11), dbSNP rs375028675, ClinGen allele CA036841.

ClinVar aggregate classification (germline): Conflicting classifications of pathogenicity. Review status: criteria provided, conflicting classifications (1 of 4 stars). 4 submissions from 4 submitters: Uncertain significance (3); Likely benign (1). Last evaluated 2025-07-09.

Conditions:
Arrhythmogenic cardiomyopathy with wooly hair and keratoderma. Also called: PALMOPLANTAR KERATODERMA WITH LEFT VENTRICULAR CARDIOMYOPATHY AND WOOLLY HAIR; Arrhythmogenic cardiomyopathy with woolly hair and keratoderma; Carvajal syndrome; Dilated cardiomyopathy with woolly hair and keratoderma. Identifiers: Orphanet 65282, MedGen C1854063, MONDO:0011581, OMIM 605676.
Arrhythmogenic right ventricular dysplasia 8 (ARVD8). Also called: Arrhythmogenic Right Ventricular Dysplasia/Cardiomyopathy 8; ARRHYTHMOGENIC RIGHT VENTRICULAR DYSPLASIA, FAMILIAL, 8; ARRHYTHMOGENIC RIGHT VENTRICULAR CARDIOMYOPATHY 8. Identifiers: MedGen C1843896, MONDO:0011831, OMIM 607450.
Cardiovascular phenotype. Identifiers: MedGen CN230736.
Cardiomyopathy (CMYO). Also called: Cardiomyopathies. Identifiers: Orphanet 167848, MedGen C0878544, MONDO:0004994, HP:0001638. Inheritance: Various modes of inheritance.

Allele frequency attached by ClinVar (database versions not stated): TOPMed below 0.00001.
gnomAD v4.1: 18 of 1,614,198 alleles (0.0011%); highest among the groups gnomAD compares: East Asian, 0.0022%; no homozygotes.

Submissions (4):

Color Diagnostics, LLC DBA Color Health
Classification: Uncertain significance for Cardiomyopathy. Last evaluated: 2025-07-09. Review status: criteria provided, single submitter. Criteria: ACMG Guidelines, 2015. Collection method: clinical testing. Allele origin: germline.
Comment: This missense variant replaces arginine with tryptophan at codon 103 of the DSP protein. Computational prediction suggests that this variant may not impact protein structure and function. To our knowledge, functional studies have not been reported for this variant. This variant has been reported in individuals affected with cardiomyopathy or arrhythmia (PMID: 33954932, 35947370). This variant has been identified in 3/251470 chromosomes in the general population by the Genome Aggregation Database (gnomAD). The available evidence is insufficient to determine the role of this variant in disease conclusively. Therefore, this variant is classified as a Variant of Uncertain Significance.

Labcorp Genetics (formerly Invitae), Labcorp
Classification: Likely benign for Arrhythmogenic cardiomyopathy with wooly hair and keratoderma; Arrhythmogenic right ventricular dysplasia 8. Last evaluated: 2024-12-30. Review status: criteria provided, single submitter. Criteria: Invitae Variant Classification Sherloc (09022015). Collection method: clinical testing. Allele origin: germline.

All of Us Research Program, National Institutes of Health
Classification: Uncertain significance for Arrhythmogenic cardiomyopathy with wooly hair and keratoderma. Last evaluated: 2023-04-27. Review status: criteria provided, single submitter. Criteria: ACMG Guidelines, 2015. Collection method: clinical testing. Allele origin: germline. Inheritance: Autosomal dominant inheritance. Observed: 1 variant allele, 1 heterozygote.
Comment: This study involves interpretation of variants in research participants for the purpose of population health screening. Participant phenotype was not available at the time of variant classification. Additional details can be found in publication PMID: 35346344, PMCID: PMC8962531

Ambry Genetics
Classification: Uncertain significance for Cardiovascular phenotype. Last evaluated: 2020-09-29. Review status: criteria provided, single submitter. Criteria: Ambry Variant Classification Scheme 2023. Collection method: clinical testing. Allele origin: germline.
Comment: The p.R103W variant (also known as c.307C>T), located in coding exon 3 of the DSP gene, results from a C to T substitution at nucleotide position 307. The arginine at codon 103 is replaced by tryptophan, an amino acid with dissimilar properties. This amino acid position is not well conserved in available vertebrate species, and tryptophan is the reference amino acid in other vertebrate species. In addition, this alteration is predicted to be tolerated by in silico analysis. Since supporting evidence is limited at this time, the clinical significance of this alteration remains unclear.

Literature cited by the submitters: PubMed 33954932 (cited by Color Diagnostics, LLC DBA Color Health); PubMed 35947370 (cited by Color Diagnostics, LLC DBA Color Health).